The following is an entry in ClinVar:

ClinVar aggregate classification (germline): Likely benign (1 of 4 stars; one submission).

gnomAD v4.1: 31 of 1,535,826 alleles (0.002%); highest among the groups gnomAD compares: Non-Finnish European, 0.0024%; no homozygotes.

Submission:

CeGaT Center for Human Genetics Tuebingen
Classification: Likely benign. Last evaluated: 2022-11-01. Review status: criteria provided, single submitter. Criteria: CeGaT Center For Human Genetics Tuebingen Variant Classification Criteria Version 2. Collection method: clinical testing. Allele origin: germline. Affected: yes. Observed: 1 variant allele.
Comment: DOK7: BP4, BP7

NM_001301071.2(DOK7):c.1587G>T (p.Pro529=)

Gene: DOK7 (docking protein 7; plus strand). Cytogenetic location: 4p16.3.
Variant type: single nucleotide variant.
Coding change: c.1587G>T on transcript NM_001301071.2; coding-DNA position 1587, G replaced by T.
Protein change: p.Pro529=; no amino-acid change (proline 529 retained).
Molecular consequence: synonymous variant.
Genome position (GRCh38, 1-based): chr4:3,500,297, G>T. VCF-style: chr4-3500297-G-T. GRCh37 (hg19) VCF-style: chr4-3502024-G-T.
Other names: c.1155G>T, p.Pro385= (NM_001363811.2).
Identifiers: ClinVar variation 2654605 (VCV002654605.22), dbSNP rs767865277, ClinGen allele CA438126297.